The following is an entry in ClinVar:

ClinVar aggregate classification (germline): Uncertain significance (1 of 4 stars; one submission).

Conditions:
Colorectal cancer, hereditary nonpolyposis, type 7. Identifiers: Orphanet 144, MedGen C1858380, MONDO:0013725, OMIM 614385.

Submission:

Labcorp Genetics (formerly Invitae), Labcorp
Classification: Uncertain significance for Colorectal cancer, hereditary nonpolyposis, type 7. Last evaluated: 2023-09-22. Review status: criteria provided, single submitter. Criteria: Invitae Variant Classification Sherloc (09022015). Collection method: clinical testing. Allele origin: germline.
Comment: This sequence change creates a premature translational stop signal (p.Ile185Phefs*5) in the MLH3 gene. It is expected to result in an absent or disrupted protein product. However, the current clinical and genetic evidence is not sufficient to establish whether loss-of-function variants in MLH3 cause disease. This variant is not present in population databases (gnomAD no frequency). This variant has not been reported in the literature in individuals affected with MLH3-related conditions. In summary, the available evidence is currently insufficient to determine the role of this variant in disease. Therefore, it has been classified as a Variant of Uncertain Significance.

NM_001040108.2(MLH3):c.552del (p.Ile185fs)

Gene: MLH3 (mutL homolog 3; minus strand). Cytogenetic location: 14q24.3.
Variant type: Deletion.
Coding change: c.552del on transcript NM_001040108.2 (MANE Select); coding-DNA position 552, one base deleted (C; older notation c.552delC).
Protein change: p.Ile185fs; shifts the reading frame from isoleucine 185.
Molecular consequence: frameshift variant.
Genome position (GRCh38, 1-based): chr14:75,049,104, G deleted on the plus strand (C on the coding strand, the reverse complement: MLH3 is on the minus strand); the first of 2 consecutive G bases (chr14:75,049,104-75,049,105); deleting either gives the same sequence. VCF-style (leftmost placement, unchanged base first): chr14-75049103-TG-T. GRCh37 (hg19) VCF-style: chr14-75515806-TG-T.
Other names: c.552del, p.Ile185fs (NM_014381.3); short protein forms I185fs.
Identifiers: ClinVar variation 2762623 (VCV002762623.3), dbSNP rs2503324183, ClinGen allele CA2625724459.